The following is an entry in ClinVar:

ClinVar aggregate classification (germline): Uncertain significance (1 of 4 stars; one submission).

Conditions:
Inborn genetic diseases. Identifiers: MedGen C0950123, MeSH D030342.

Submission:

Ambry Genetics
Classification: Uncertain significance for Inborn genetic diseases. Last evaluated: 2025-03-14. Review status: criteria provided, single submitter. Criteria: Ambry Variant Classification Scheme 2023. Collection method: clinical testing. Allele origin: germline.
Comment: The p.S147A variant (also known as c.439T>G), located in coding exon 3 of the USB1 gene, results from a T to G substitution at nucleotide position 439. The serine at codon 147 is replaced by alanine, an amino acid with similar properties. This amino acid position is conserved. In addition, this alteration is predicted to be tolerated by in silico analysis. Based on the available evidence, the clinical significance of this variant remains unclear.

NM_024598.4(USB1):c.439T>G (p.Ser147Ala)

Gene: USB1 (U6 snRNA biogenesis phosphodiesterase 1; plus strand). Cytogenetic location: 16q21.
Variant type: single nucleotide variant.
Coding change: c.439T>G on transcript NM_024598.4 (MANE Select); coding-DNA position 439, T replaced by G.
Protein change: p.Ser147Ala; replaces serine 147 with alanine.
Molecular consequence: missense variant.
Genome position (GRCh38, 1-based): chr16:58,010,102, T>G. VCF-style: chr16-58010102-T-G. GRCh37 (hg19) VCF-style: chr16-58044006-T-G.
Other names: c.439T>G, p.Ser147Ala (NM_001195302.2, NM_001204911.2, NM_001330569.2); c.286T>G, p.Ser96Ala (NM_001330568.2); short protein forms S147A, S96A.
Identifiers: ClinVar variation 3813922 (VCV003813922.1).